The following is an entry in ClinVar:

NM_012418.4(FSCN2):c.1345T>C (p.Phe449Leu)

Gene: FSCN2 (fascin actin-bundling protein 2, retinal; plus strand). Cytogenetic location: 17q25.3.
Variant type: single nucleotide variant.
Coding change: c.1345T>C on transcript NM_012418.4 (MANE Select); coding-DNA position 1345, T replaced by C.
Protein change: p.Phe449Leu; replaces phenylalanine 449 with leucine.
Molecular consequence: missense variant.
Genome position (GRCh38, 1-based): chr17:81,536,946, T>C. VCF-style: chr17-81536946-T-C. GRCh37 (hg19) VCF-style: chr17-79503972-T-C.
Other names: c.1417T>C, p.Phe473Leu (NM_001077182.3); short protein forms F449L, F473L.
Identifiers: ClinVar variation 967355 (VCV000967355.9), dbSNP rs1342656947, ClinGen allele CA401478660.

ClinVar aggregate classification (germline): Uncertain significance (1 of 4 stars; one submission).

Submission:

Labcorp Genetics (formerly Invitae), Labcorp
Classification: Uncertain significance. Last evaluated: 2023-08-04. Review status: criteria provided, single submitter. Criteria: Invitae Variant Classification Sherloc (09022015). Collection method: clinical testing. Allele origin: germline.
Comment: This variant has not been reported in the literature in individuals affected with FSCN2-related conditions. ClinVar contains an entry for this variant (Variation ID: 967355). This variant is not present in population databases (gnomAD no frequency). This sequence change replaces phenylalanine, which is neutral and non-polar, with leucine, which is neutral and non-polar, at codon 473 of the FSCN2 protein (p.Phe473Leu). In summary, the available evidence is currently insufficient to determine the role of this variant in disease. Therefore, it has been classified as a Variant of Uncertain Significance. An algorithm developed to predict the effect of missense changes on protein structure and function (PolyPhen-2) suggests that this variant is likely to be disruptive.